The following is an entry in ClinVar:

NM_000426.4(LAMA2):c.8821G>A (p.Gly2941Arg)

Gene: LAMA2 (laminin subunit alpha 2; plus strand). Cytogenetic location: 6q22.33.
Variant type: single nucleotide variant.
Coding change: c.8821G>A on transcript NM_000426.4 (MANE Select); coding-DNA position 8821, G replaced by A.
Protein change: p.Gly2941Arg; replaces glycine 2941 with arginine.
Molecular consequence: missense variant.
Genome position (GRCh38, 1-based): chr6:129,507,606, G>A. VCF-style: chr6-129507606-G-A. GRCh37 (hg19) VCF-style: chr6-129828751-G-A.
Other names: c.8809G>A, p.Gly2937Arg (NM_001079823.2); c.8821G>A (NM_000426.3); short protein forms G2941R, G2937R.
Identifiers: ClinVar variation 1402557 (VCV001402557.6), dbSNP rs748373493, ClinGen allele CA3994924.

ClinVar aggregate classification (germline): Uncertain significance. Review status: criteria provided, multiple submitters, no conflicts (2 of 4 stars). 2 submissions from 2 submitters: Uncertain significance (2). Last evaluated 2021-09-17.

Conditions:
Inborn genetic diseases. Identifiers: MedGen C0950123, MeSH D030342.
LAMA2-related muscular dystrophy (LAMA2-RD). Also called: Laminin alpha 2-related dystrophy. Identifiers: MedGen C5679788, MONDO:0100228.

Allele frequency attached by ClinVar (database versions not stated): ExAC 0.00002; gnomAD 0.00002; gnomAD exomes 0.00002.
gnomAD v4.1: 29 of 1,614,032 alleles (0.0018%); highest among the groups gnomAD compares: Non-Finnish European, 0.0024%; no homozygotes.

Submissions (2):

Ambry Genetics
Classification: Uncertain significance for Inborn genetic diseases. Last evaluated: 2021-09-17. Review status: criteria provided, single submitter. Criteria: Ambry Variant Classification Scheme 2023. Collection method: clinical testing. Allele origin: germline.

Labcorp Genetics (formerly Invitae), Labcorp
Classification: Uncertain significance for LAMA2-related muscular dystrophy. Last evaluated: 2021-08-24. Review status: criteria provided, single submitter. Criteria: Invitae Variant Classification Sherloc (09022015). Collection method: clinical testing. Allele origin: germline.
Comment: This sequence change replaces glycine with arginine at codon 2941 of the LAMA2 protein (p.Gly2941Arg). The glycine residue is highly conserved and there is a moderate physicochemical difference between glycine and arginine. This variant is present in population databases (rs748373493, ExAC 0.003%). This variant has not been reported in the literature in individuals affected with LAMA2-related conditions. Algorithms developed to predict the effect of missense changes on protein structure and function are either unavailable or do not agree on the potential impact of this missense change (SIFT: "Deleterious"; PolyPhen-2: "Probably Damaging"; Align-GVGD: "Class C0"). In summary, the available evidence is currently insufficient to determine the role of this variant in disease. Therefore, it has been classified as a Variant of Uncertain Significance.